The following is an entry in ClinVar:

ClinVar aggregate classification (germline): Uncertain significance (1 of 4 stars; one submission).

gnomAD v4.1: 1 of 1,549,860 alleles (0.000065%); highest among the groups gnomAD compares: South Asian, 0.0012%; no homozygotes.

Submission:

Ambry Genetics
Classification: Uncertain significance. Last evaluated: 2026-07-27. Review status: criteria provided, single submitter. Criteria: Ambry Variant Classification Scheme 2023. Collection method: clinical testing. Allele origin: germline.
Comment: The p.E591D variant (also known as c.1773G>C), located in coding exon 7 of the WNK2 gene, results from a G to C substitution at nucleotide position 1773. The glutamic acid at codon 591 is replaced by aspartic acid, an amino acid with highly similar properties. This amino acid position is conserved. In addition, this alteration is predicted to be tolerated by in silico analysis. Based on the available evidence, the clinical significance of this variant remains unclear.

NM_006648.4(WNK2):c.1773G>C (p.Glu591Asp)

Gene: WNK2 (WNK lysine deficient protein kinase 2; plus strand). Cytogenetic location: 9q22.31.
Variant type: single nucleotide variant.
Coding change: c.1773G>C on transcript NM_006648.4 (MANE Select); coding-DNA position 1773, G replaced by C.
Protein change: p.Glu591Asp; replaces glutamic acid 591 with aspartic acid.
Molecular consequence: missense variant.
Genome position (GRCh38, 1-based): chr9:93,247,773, G>C. VCF-style: chr9-93247773-G-C. GRCh37 (hg19) VCF-style: chr9-96010055-G-C.
Other names: c.1773G>C, p.Glu591Asp (NM_001282394.3); short protein forms E591D.
Identifiers: ClinVar variation 5031887 (VCV005031887.1).